The following is an entry in ClinVar:

NM_000051.4(ATM):c.4669A>G (p.Ile1557Val)

Gene: ATM (ATM serine/threonine kinase; plus strand). Cytogenetic location: 11q22.3.
Variant type: single nucleotide variant.
Coding change: c.4669A>G on transcript NM_000051.4 (MANE Select); coding-DNA position 4669, A replaced by G.
Protein change: p.Ile1557Val; replaces isoleucine 1557 with valine.
Molecular consequence: missense variant.
Genome position (GRCh38, 1-based): chr11:108,293,370, A>G. VCF-style: chr11-108293370-A-G. GRCh37 (hg19) VCF-style: chr11-108164097-A-G.
Other names: c.4669A>G (NM_000051.3); c.4669A>G, p.Ile1557Val (NM_001351834.2); short protein forms I1557V.
Identifiers: ClinVar variation 1359755 (VCV001359755.9), dbSNP rs2135811264, ClinGen allele CA382534691.

ClinVar aggregate classification (germline): Uncertain significance. Review status: criteria provided, multiple submitters, no conflicts (2 of 4 stars). 2 submissions from 2 submitters: Uncertain significance (2). Last evaluated 2025-11-10.

Conditions:
Hereditary cancer-predisposing syndrome. Also called: Hereditary Cancer Syndrome; Hereditary neoplastic syndrome; Tumor predisposition; Neoplastic Syndromes, Hereditary. Identifiers: Orphanet 140162, MedGen C0027672, MeSH D009386, MONDO:0015356.
Ataxia-telangiectasia syndrome (AT). Also called: ATAXIA-TELANGIECTASIA, COMPLEMENTATION GROUP A; ATAXIA-TELANGIECTASIA, FRESNO VARIANT; Ataxia-telangiectasia; Ataxia-telangiectasia, complementation group D; Ataxia-telangiectasia, complementation group E; Ataxia telangiectasia (A-T). Identifiers: Orphanet 100, MedGen C0004135, MONDO:0008840, OMIM 208900.

Submissions (2):

Labcorp Genetics (formerly Invitae), Labcorp
Classification: Uncertain significance for Ataxia-telangiectasia syndrome. Last evaluated: 2025-11-10. Review status: criteria provided, single submitter. Criteria: Invitae Variant Classification Sherloc (09022015). Collection method: clinical testing. Allele origin: germline.
Comment: This sequence change replaces isoleucine, which is neutral and non-polar, with valine, which is neutral and non-polar, at codon 1557 of the ATM protein (p.Ile1557Val). This variant is not present in population databases (gnomAD no frequency). This variant has not been reported in the literature in individuals affected with ATM-related conditions. ClinVar contains an entry for this variant (Variation ID: 1359755). Invitae Evidence Modeling of protein sequence and biophysical properties (such as structural, functional, and spatial information, amino acid conservation, physicochemical variation, residue mobility, and thermodynamic stability) indicates that this missense variant is not expected to disrupt ATM protein function with a negative predictive value of 95%. In summary, the available evidence is currently insufficient to determine the role of this variant in disease. Therefore, it has been classified as a Variant of Uncertain Significance.

Ambry Genetics
Classification: Uncertain significance for Hereditary cancer-predisposing syndrome. Last evaluated: 2023-12-14. Review status: criteria provided, single submitter. Criteria: Ambry Variant Classification Scheme 2023. Collection method: clinical testing. Allele origin: germline.
Comment: The p.I1557V variant (also known as c.4669A>G), located in coding exon 30 of the ATM gene, results from an A to G substitution at nucleotide position 4669. The isoleucine at codon 1557 is replaced by valine, an amino acid with highly similar properties. This amino acid position is conserved. In addition, this alteration is predicted to be tolerated by in silico analysis. Since supporting evidence is limited at this time, the clinical significance of this alteration remains unclear.